The following is an entry in ClinVar:

NM_005732.4(RAD50):c.1331A>T (p.Glu444Val)

Gene: RAD50 (RAD50 double strand break repair protein; plus strand). Cytogenetic location: 5q31.1.
Variant type: single nucleotide variant.
Coding change: c.1331A>T on transcript NM_005732.4 (MANE Select); coding-DNA position 1331, A replaced by T.
Protein change: p.Glu444Val; replaces glutamic acid 444 with valine.
Molecular consequence: missense variant.
Genome position (GRCh38, 1-based): chr5:132,589,716, A>T. VCF-style: chr5-132589716-A-T. GRCh37 (hg19) VCF-style: chr5-131925408-A-T.
Other names: short protein forms E444V.
Identifiers: ClinVar variation 1510497 (VCV001510497.8), dbSNP rs2149841498, ClinGen allele CA360943955.

ClinVar aggregate classification (germline): Uncertain significance (1 of 4 stars; one submission).

Conditions:
Hereditary cancer-predisposing syndrome. Also called: Hereditary neoplastic syndrome; Neoplastic Syndromes, Hereditary; Tumor predisposition; Hereditary Cancer Syndrome. Identifiers: Orphanet 140162, MedGen C0027672, MeSH D009386, MONDO:0015356.

Submission:

Labcorp Genetics (formerly Invitae), Labcorp
Classification: Uncertain significance for Hereditary cancer-predisposing syndrome. Last evaluated: 2021-02-15. Review status: criteria provided, single submitter. Criteria: Invitae Variant Classification Sherloc (09022015). Collection method: clinical testing. Allele origin: germline.
Comment: This sequence change replaces glutamic acid with valine at codon 444 of the RAD50 protein (p.Glu444Val). The glutamic acid residue is moderately conserved and there is a moderate physicochemical difference between glutamic acid and valine. In summary, the available evidence is currently insufficient to determine the role of this variant in disease. Therefore, it has been classified as a Variant of Uncertain Significance. Algorithms developed to predict the effect of missense changes on protein structure and function are either unavailable or do not agree on the potential impact of this missense change (SIFT: "Deleterious"; PolyPhen-2: "Possibly Damaging"; Align-GVGD: "Class C0"). This variant has not been reported in the literature in individuals with RAD50-related conditions. This variant is not present in population databases (ExAC no frequency).